The following is an entry in ClinVar:

NM_005428.4(VAV1):c.844C>T (p.Arg282Cys)

Gene: VAV1 (vav guanine nucleotide exchange factor 1; plus strand). Cytogenetic location: 19p13.3.
Variant type: single nucleotide variant.
Coding change: c.844C>T on transcript NM_005428.4 (MANE Select); coding-DNA position 844, C replaced by T.
Protein change: p.Arg282Cys; replaces arginine 282 with cysteine.
Molecular consequence: missense variant.
Genome position (GRCh38, 1-based): chr19:6,826,628, C>T. VCF-style: chr19-6826628-C-T. GRCh37 (hg19) VCF-style: chr19-6826639-C-T.
Other names: c.844C>T, p.Arg282Cys (NM_001258206.2); c.748C>T, p.Arg250Cys (NM_001258207.2); c.844C>T (NM_005428.3); short protein forms R282C, R250C.
Identifiers: ClinVar variation 1450278 (VCV001450278.7), dbSNP rs771827278, ClinGen allele CA9132369.

ClinVar aggregate classification (germline): Uncertain significance. Review status: criteria provided, multiple submitters, no conflicts (2 of 4 stars). 2 submissions from 2 submitters: Uncertain significance (2). Last evaluated 2025-11-01.

Conditions:
VAV1-related disorder. Also called: VAV1-related condition.

Allele frequency attached by ClinVar (database versions not stated): gnomAD 0.00003; gnomAD exomes 0.00004 and 0.00008; TOPMed 0.00004; ExAC 0.00005.

Submissions (2):

Labcorp Genetics (formerly Invitae), Labcorp
Classification: Uncertain significance. Last evaluated: 2025-11-01. Review status: criteria provided, single submitter. Criteria: Invitae Variant Classification Sherloc (09022015). Collection method: clinical testing. Allele origin: germline.
Comment: This sequence change replaces arginine, which is basic and polar, with cysteine, which is neutral and slightly polar, at codon 282 of the VAV1 protein (p.Arg282Cys). This variant is present in population databases (rs771827278, gnomAD 0.008%). This variant has not been reported in the literature in individuals affected with VAV1-related conditions. ClinVar contains an entry for this variant (Variation ID: 1450278). An algorithm developed to predict the effect of missense changes on protein structure and function (PolyPhen-2) suggests that this variant is likely to be disruptive. In summary, the available evidence is currently insufficient to determine the role of this variant in disease. Therefore, it has been classified as a Variant of Uncertain Significance.

PreventionGenetics, part of Exact Sciences
Classification: Uncertain significance for VAV1-related condition. Last evaluated: 2025-02-03. Review status: criteria provided, single submitter. Criteria: ACMG Guidelines, 2015. Collection method: clinical testing. Allele origin: germline.
Comment: The VAV1 c.844C>T variant is predicted to result in the amino acid substitution p.Arg282Cys. To our knowledge, this variant has not been reported in the literature. This variant is reported in 0.0087% of alleles in individuals of European (non-Finnish) descent in gnomAD. At this time, the clinical significance of this variant is uncertain due to the absence of conclusive functional and genetic evidence.